The following is an entry in ClinVar:

NM_000038.6(APC):c.5963A>C (p.Lys1988Thr)

Gene: APC (APC regulator of Wnt signaling pathway; plus strand). Cytogenetic location: 5q22.2.
Variant type: single nucleotide variant.
Coding change: c.5963A>C on transcript NM_000038.6 (MANE Select); coding-DNA position 5963, A replaced by C.
Protein change: p.Lys1988Thr; replaces lysine 1988 with threonine.
Molecular consequence: missense variant.
Genome position (GRCh38, 1-based): chr5:112,841,557, A>C. VCF-style: chr5-112841557-A-C. GRCh37 (hg19) VCF-style: chr5-112177254-A-C.
Other names: c.5963A>C, p.Lys1988Thr (NM_001127510.3, NM_001354895.2, NM_001407450.1); c.5909A>C, p.Lys1970Thr (NM_001127511.3); c.6017A>C, p.Lys2006Thr (NM_001354896.2, NM_001407447.1, NM_001407448.1 and 1 more transcripts); c.5993A>C, p.Lys1998Thr (NM_001354897.2); c.5888A>C, p.Lys1963Thr (NM_001354898.2); c.5879A>C, p.Lys1960Thr (NM_001354899.2); c.5840A>C, p.Lys1947Thr (NM_001354900.2); c.5786A>C, p.Lys1929Thr (NM_001354901.2, NM_001407453.1); and 11 more; short protein forms K1862T, K2006T, K1963T, K1978T, K1981T, K1828T, K1859T, K1887T.
Identifiers: ClinVar variation 2130966 (VCV002130966.4), dbSNP rs2149953581, ClinGen allele CA16034385.

ClinVar aggregate classification (germline): Uncertain significance (1 of 4 stars; one submission).

Conditions:
Familial adenomatous polyposis 1 (FAP1). Also called: POLYPOSIS, ADENOMATOUS INTESTINAL; FAMILIAL ADENOMATOUS POLYPOSIS 1, ATTENUATED. Identifiers: MedGen C2713442, MONDO:0021056, OMIM 175100. Disease mechanism: loss of function.

Submission:

Labcorp Genetics (formerly Invitae), Labcorp
Classification: Uncertain significance for Familial adenomatous polyposis 1. Last evaluated: 2022-09-01. Review status: criteria provided, single submitter. Criteria: Invitae Variant Classification Sherloc (09022015). Collection method: clinical testing. Allele origin: germline.
Comment: In summary, the available evidence is currently insufficient to determine the role of this variant in disease. Therefore, it has been classified as a Variant of Uncertain Significance. Algorithms developed to predict the effect of missense changes on protein structure and function are either unavailable or do not agree on the potential impact of this missense change (SIFT: "Deleterious"; PolyPhen-2: "Benign"; Align-GVGD: "Class C0"). This sequence change replaces lysine, which is basic and polar, with threonine, which is neutral and polar, at codon 1988 of the APC protein (p.Lys1988Thr). This variant is not present in population databases (gnomAD no frequency). This variant has not been reported in the literature in individuals affected with APC-related conditions.